The following is an entry in ClinVar:

NM_000414.4(HSD17B4):c.529T>C (p.Ser177Pro)

Gene: HSD17B4 (hydroxysteroid 17-beta dehydrogenase 4; plus strand). Cytogenetic location: 5q23.1.
Variant type: single nucleotide variant.
Coding change: c.529T>C on transcript NM_000414.4 (MANE Select); coding-DNA position 529, T replaced by C.
Protein change: p.Ser177Pro; replaces serine 177 with proline.
Molecular consequence: missense variant. On other transcripts: non-coding transcript variant (2).
Genome position (GRCh38, 1-based): chr5:119,478,928, T>C. VCF-style: chr5-119478928-T-C. GRCh37 (hg19) VCF-style: chr5-118814623-T-C.
Other names: c.604T>C, p.Ser202Pro (NM_001199291.3); c.475T>C, p.Ser159Pro (NM_001199292.2); c.457T>C, p.Ser153Pro (NM_001292027.2); c.109T>C, p.Ser37Pro (NM_001292028.2); c.520T>C, p.Ser174Pro (NM_001374497.1); c.529T>C, p.Ser177Pro (NM_001374498.1); c.202T>C, p.Ser68Pro (NM_001374499.1); c.88T>C, p.Ser30Pro (NM_001374500.1); and 1 more; short protein forms S159P, S37P, S153P, S68P, S174P, S202P, S30P, S40P.
Identifiers: ClinVar variation 1941206 (VCV001941206.4), dbSNP rs1748854900, ClinGen allele CA360866260.

ClinVar aggregate classification (germline): Uncertain significance (1 of 4 stars; one submission).

Conditions:
Perrault syndrome. Also called: Gonadal dysgenesis with auditory dysfunction, autosomal recessive inheritance. Identifiers: Orphanet 2855, MedGen C0685838, MONDO:0017312.
Bifunctional peroxisomal enzyme deficiency (DBIF). Also called: PBFE DEFICIENCY; D-bifunctional protein deficiency; DBP DEFICIENCY. Identifiers: Orphanet 300, MedGen C0342870, MONDO:0009855, OMIM 261515. Disease mechanism: loss of function.

Allele frequency attached by ClinVar (database versions not stated): gnomAD 0.00001; gnomAD exomes 0.00001; TOPMed 0.00001.
gnomAD v4.1: 4 of 1,613,388 alleles (0.00025%); highest among the groups gnomAD compares: Non-Finnish European, 0.00034%; no homozygotes.

Submission:

Labcorp Genetics (formerly Invitae), Labcorp
Classification: Uncertain significance for Perrault syndrome; Bifunctional peroxisomal enzyme deficiency. Last evaluated: 2024-10-15. Review status: criteria provided, single submitter. Criteria: Invitae Variant Classification Sherloc (09022015). Collection method: clinical testing. Allele origin: germline.
Comment: This sequence change replaces serine, which is neutral and polar, with proline, which is neutral and non-polar, at codon 177 of the HSD17B4 protein (p.Ser177Pro). This variant is not present in population databases (gnomAD no frequency). This variant has not been reported in the literature in individuals affected with HSD17B4-related conditions. ClinVar contains an entry for this variant (Variation ID: 1941206). Invitae Evidence Modeling of protein sequence and biophysical properties (such as structural, functional, and spatial information, amino acid conservation, physicochemical variation, residue mobility, and thermodynamic stability) has been performed for this missense variant. However, the output from this modeling did not meet the statistical confidence thresholds required to predict the impact of this variant on HSD17B4 protein function. In summary, the available evidence is currently insufficient to determine the role of this variant in disease. Therefore, it has been classified as a Variant of Uncertain Significance.